The following is an entry in ClinVar:

ClinVar aggregate classification (germline): Uncertain significance (1 of 4 stars; one submission).

Conditions:
Oligodontia-cancer predisposition syndrome. Also called: TOOTH AGENESIS-COLORECTAL CANCER SYNDROME. Identifiers: Orphanet 300576, MedGen C1837750, MONDO:0012075, OMIM 608615. Disease mechanism: loss of function.

Submission:

Labcorp Genetics (formerly Invitae), Labcorp
Classification: Uncertain significance for Oligodontia-cancer predisposition syndrome. Last evaluated: 2024-01-25. Review status: criteria provided, single submitter. Criteria: Invitae Variant Classification Sherloc (09022015). Collection method: clinical testing. Allele origin: germline.
Comment: This variant, c.1478_1489del, results in the deletion of 4 amino acid(s) of the AXIN2 protein (p.Ser493_Ala496del), but otherwise preserves the integrity of the reading frame. This variant is not present in population databases (gnomAD no frequency). This variant has not been reported in the literature in individuals affected with AXIN2-related conditions. Experimental studies and prediction algorithms are not available or were not evaluated, and the functional significance of this variant is currently unknown. In summary, the available evidence is currently insufficient to determine the role of this variant in disease. Therefore, it has been classified as a Variant of Uncertain Significance.

NM_004655.4(AXIN2):c.1478_1489del (p.Ser493_Ala496del)

Gene: AXIN2 (axin 2; minus strand). Cytogenetic location: 17q24.1.
Variant type: Deletion.
Coding change: c.1478_1489del on transcript NM_004655.4 (MANE Select); coding-DNA positions 1478 to 1489, 12 bases deleted (CGCCGGGCGCCT).
Protein change: p.Ser493_Ala496del.
Molecular consequence: inframe deletion.
Genome position (GRCh38, 1-based): chr17:65,537,547-65,537,558, AGGCGCCCGGCG deleted on the plus strand (CGCCGGGCGCCT on the coding strand, the reverse complement: AXIN2 is on the minus strand); deleting any 12 consecutive bases within chr17:65,537,547-65,537,563 gives the same sequence; the c. name uses the placement nearest the transcript's 3' end. VCF-style (leftmost placement, unchanged base first): chr17-65537546-CAGGCGCCCGGCG-C. GRCh37 (hg19) VCF-style: chr17-63533664-CAGGCGCCCGGCG-C.
Other names: c.1478_1489del, p.Ser493_Ala496del (NM_001363813.1).
Identifiers: ClinVar variation 2832876 (VCV002832876.3), dbSNP rs748235355, ClinGen allele CA774132640.